The following is an entry in ClinVar:

ClinVar aggregate classification (germline): Uncertain significance. Review status: criteria provided, single submitter (1 of 4 stars). 2 submissions from 2 submitters: Uncertain significance (1). 1 of the submissions does not count toward it. Last evaluated 2024-05-03.

Allele frequency attached by ClinVar (database versions not stated): gnomAD exomes below 0.00001; TOPMed below 0.00001; gnomAD 0.00001; ExAC 0.00002.

Submissions (2):

Women's Health and Genetics/Laboratory Corporation of America, LabCorp
Classification: Uncertain significance. Last evaluated: 2024-05-03. Review status: criteria provided, single submitter. Criteria: LabCorp Variant Classification Summary - May 2015. Collection method: clinical testing. Allele origin: germline.
Comment: Variant summary: PSEN1 c.1053_1055dupTCG (p.Arg352dup) results in an in-frame duplication that is predicted to duplicate one amino acid into the encoded protein. The variant allele was found at a frequency of 4e-06 in 251480 control chromosomes. The available data on variant occurrences in the general population are insufficient to allow any conclusion about variant significance. c.1053_1055dupTCG has been reported in the literature in individuals affected with Alzheimer Disease, Type 3 (Rogaeva_2001); however, a following up study in the same individual revealed that a splice site variant in the PGRN gene is responsible for the clinical phenotype (Boeve_2006). Two publications report experimental evidence evaluating an impact on protein function at-least one of whom shows no effect of this variant as measured by ER Ca2+ leak function of PSEN1 (Nelson_2007). The following publications have been ascertained in the context of this evaluation (PMID: 11524469, 17030535, 11895378, 17431506). ClinVar contains an entry for this variant (Variation ID: 98095). Based on the evidence outlined above, the variant was classified as uncertain significance.

VIB  Department of Molecular Genetics, University of Antwerp
No classification provided. Review status: no classification provided. Collection method: not provided. Allele origin: not provided. Not counted in ClinVar's aggregate classification.

Literature cited by the submitters: PubMed 11524469 (cited by Women's Health and Genetics/Laboratory Corporation of America, LabCorp); PubMed 11895378 (cited by Women's Health and Genetics/Laboratory Corporation of America, LabCorp); PubMed 17030535 (cited by Women's Health and Genetics/Laboratory Corporation of America, LabCorp); PubMed 17431506 (cited by Women's Health and Genetics/Laboratory Corporation of America, LabCorp); PubMed 21663966 (cited by Women's Health and Genetics/Laboratory Corporation of America, LabCorp).

NM_000021.4(PSEN1):c.1053_1055dup (p.Arg352dup)

Gene: PSEN1 (presenilin 1; plus strand). Cytogenetic location: 14q24.2.
Variant type: Duplication.
Coding change: c.1053_1055dup on transcript NM_000021.4 (MANE Select); coding-DNA positions 1053 to 1055, 3 bases duplicated (TCG; older notation c.1053_1055dupTCG).
Protein change: p.Arg352dup; duplicates arginine 352.
Molecular consequence: inframe insertion.
Genome position (GRCh38, 1-based): chr14:73,211,866-73,211,868, TCG duplicated. VCF-style (leftmost placement, unchanged base first): chr14-73211865-A-ATCG. GRCh37 (hg19) VCF-style: chr14-73678573-A-ATCG.
Other names: c.1041_1043dup, p.Arg348dup (NM_007318.3); c.1053_1055dupTCG (NM_000021.4).
Identifiers: ClinVar variation 98095 (VCV000098095.2), dbSNP rs63750762, ClinGen allele CA225147.